The following is an entry in ClinVar:

NM_001388492.1(HTT):c.7842C>T (p.Leu2614=)

Gene: HTT (huntingtin; plus strand). Cytogenetic location: 4p16.3.
Variant type: single nucleotide variant.
Coding change: c.7842C>T on transcript NM_001388492.1 (MANE Select); coding-DNA position 7842, C replaced by T.
Protein change: p.Leu2614=; no amino-acid change (leucine 2614 retained).
Molecular consequence: synonymous variant.
Genome position (GRCh38, 1-based): chr4:3,225,737, C>T. VCF-style: chr4-3225737-C-T. GRCh37 (hg19) VCF-style: chr4-3227464-C-T.
Other names: c.7848C>T, p.Leu2616= (NM_002111.8).
Identifiers: ClinVar variation 1599025 (VCV001599025.17), dbSNP rs200527929, ClinGen allele CA2825485.

ClinVar aggregate classification (germline): Benign/Likely benign. Review status: criteria provided, multiple submitters, no conflicts (2 of 4 stars). 4 submissions from 4 submitters: Benign (2); Likely benign (2). Last evaluated 2026-07-01.

Allele frequency attached by ClinVar (database versions not stated): ESP Exome Variant Server 0.00049; gnomAD exomes 0.00065 and 0.00111; TOPMed 0.00095; gnomAD 0.00105 and 0.00111; ExAC 0.00130; 1000 Genomes Project 0.00160; 1000 Genomes Project 30x 0.00172.
gnomAD v4.1: 1,131 of 1,613,816 alleles (0.07%); highest among the groups gnomAD compares: South Asian, 0.36%; 5 homozygotes.

Submissions (4):

CeGaT Center for Human Genetics Tuebingen
Classification: Likely benign. Last evaluated: 2026-07-01. Review status: criteria provided, single submitter. Criteria: CeGaT Center For Human Genetics Tuebingen Variant Classification Criteria Version 2. Collection method: clinical testing. Allele origin: germline. Affected: yes. Observed: 2 variant alleles.
Comment: HTT: BP4, BP7

Labcorp Genetics (formerly Invitae), Labcorp
Classification: Benign. Last evaluated: 2025-11-24. Review status: criteria provided, single submitter. Criteria: Invitae Variant Classification Sherloc (09022015). Collection method: clinical testing. Allele origin: germline.

Blueprint Genetics
Classification: Likely benign. Last evaluated: 2024-11-26. Review status: criteria provided, single submitter. Criteria: ACMG Guidelines, 2015. Collection method: clinical testing. Allele origin: germline.

Breakthrough Genomics
Classification: Benign. Review status: criteria provided, single submitter. Criteria: ACMG Guidelines, 2015. Collection method: not provided. Allele origin: germline. Inheritance: Autosomal recessive inheritance. Affected: yes.